The following is an entry in ClinVar:

ClinVar aggregate classification (germline): Uncertain significance (1 of 4 stars; one submission).

Conditions:
Isovaleryl-CoA dehydrogenase deficiency (IVA). Also called: ISOVALERIC ACID CoA DEHYDROGENASE DEFICIENCY; Isovaleric acidemia; Classic Isovaleric Acidemia; IVD DEFICIENCY. Identifiers: Orphanet 33, MedGen C0268575, MONDO:0009475, OMIM 243500.

Submission:

Labcorp Genetics (formerly Invitae), Labcorp
Classification: Uncertain significance for Isovaleryl-CoA dehydrogenase deficiency. Last evaluated: 2025-07-24. Review status: criteria provided, single submitter. Criteria: Invitae Variant Classification Sherloc (09022015). Collection method: clinical testing. Allele origin: germline.
Comment: This sequence change replaces alanine, which is neutral and non-polar, with threonine, which is neutral and polar, at codon 205 of the IVD protein (p.Ala205Thr). This variant is not present in population databases (gnomAD no frequency). This missense change has been observed in individual(s) with clinical and/or biochemical features of isovaleric acidemia (internal data). An algorithm developed to predict the effect of missense changes on protein structure and function (PolyPhen-2) suggests that this variant is likely to be disruptive. In summary, the available evidence is currently insufficient to determine the role of this variant in disease. Therefore, it has been classified as a Variant of Uncertain Significance.

NM_002225.5(IVD):c.604G>A (p.Ala202Thr)

Gene: IVD (isovaleryl-CoA dehydrogenase; plus strand). Cytogenetic location: 15q15.1.
Variant type: single nucleotide variant.
Coding change: c.604G>A on transcript NM_002225.5 (MANE Select); coding-DNA position 604, G replaced by A.
Protein change: p.Ala202Thr; replaces alanine 202 with threonine.
Molecular consequence: missense variant. On other transcripts: non-coding transcript variant (1).
Genome position (GRCh38, 1-based): chr15:40,411,608, G>A. VCF-style: chr15-40411608-G-A. GRCh37 (hg19) VCF-style: chr15-40703807-G-A.
Other names: c.514G>A, p.Ala172Thr (NM_001159508.3); c.556G>A, p.Ala186Thr (NM_001354597.3); c.604G>A, p.Ala202Thr (NM_001354598.3, NM_001354601.3); c.691G>A, p.Ala231Thr (NM_001354599.3, NM_001354600.3); short protein forms A202T, A231T, A172T, A186T.
Identifiers: ClinVar variation 4763388 (VCV004763388.1).